The following is an entry in ClinVar:

ClinVar aggregate classification (germline): Uncertain significance. Review status: criteria provided, multiple submitters, no conflicts (2 of 4 stars). 3 submissions from 2 submitters: Uncertain significance (3). Last evaluated 2024-04-29.

Conditions:
Singleton-Merten syndrome 1 (SGMRT1). Also called: Widened medullary cavities of bone, aortic calcification, abnormal dentition, and muscular weakness; Syndrome of widened medullary cavities of the metacarpals and phalanges, aortic calcification and abnormal dentition. Identifiers: Orphanet 85191, MedGen C4225427, MONDO:0024535, OMIM 182250.
Aicardi-Goutieres syndrome 7 (AGS7). Identifiers: Orphanet 51, MedGen C3888244, MONDO:0014367, OMIM 615846.

gnomAD v4.1: 2 of 1,611,500 alleles (0.00012%); highest among the groups gnomAD compares: Non-Finnish European, 0.00017%; no homozygotes.

Submissions (3):

Labcorp Genetics (formerly Invitae), Labcorp
Classification: Uncertain significance for Aicardi-Goutieres syndrome 7; Singleton-Merten syndrome 1. Last evaluated: 2024-04-29. Review status: criteria provided, single submitter. Criteria: Invitae Variant Classification Sherloc (09022015). Collection method: clinical testing. Allele origin: germline.
Comment: This sequence change replaces arginine, which is basic and polar, with proline, which is neutral and non-polar, at codon 820 of the IFIH1 protein (p.Arg820Pro). This variant is not present in population databases (gnomAD no frequency). This variant has not been reported in the literature in individuals affected with IFIH1-related conditions. This missense change has been observed in at least one individual who was not affected with IFIH1-related conditions (Invitae). ClinVar contains an entry for this variant (Variation ID: 587614). Advanced modeling of protein sequence and biophysical properties (such as structural, functional, and spatial information, amino acid conservation, physicochemical variation, residue mobility, and thermodynamic stability) has been performed at Invitae for this missense variant, however the output from this modeling did not meet the statistical confidence thresholds required to predict the impact of this variant on IFIH1 protein function. In summary, the available evidence is currently insufficient to determine the role of this variant in disease. Therefore, it has been classified as a Variant of Uncertain Significance.

Genomic Research Center, Shahid Beheshti University of Medical Sciences
Classification: Uncertain significance for Aicardi-Goutieres syndrome 7. Last evaluated: 2018-08-07. Review status: criteria provided, single submitter. Criteria: ACMG Guidelines, 2015. Collection method: clinical testing. Allele origin: unknown. Affected: yes. Observed: 1 variant allele.

Genomic Research Center, Shahid Beheshti University of Medical Sciences
Classification: Uncertain significance for Singleton-Merten syndrome 1. Last evaluated: 2018-08-07. Review status: criteria provided, single submitter. Criteria: ACMG Guidelines, 2015. Collection method: clinical testing. Allele origin: unknown. Affected: yes. Observed: 1 variant allele.

NM_022168.4(IFIH1):c.2459G>C (p.Arg820Pro)

Gene: IFIH1 (interferon induced with helicase C domain 1; minus strand). Cytogenetic location: 2q24.2.
Variant type: single nucleotide variant.
Coding change: c.2459G>C on transcript NM_022168.4 (MANE Select); coding-DNA position 2459, G replaced by C.
Protein change: p.Arg820Pro; replaces arginine 820 with proline.
Molecular consequence: missense variant.
Genome position (GRCh38, 1-based): chr2:162,272,383, C>G on the plus strand (G>C on the coding strand, the complement: IFIH1 is on the minus strand). VCF-style: chr2-162272383-C-G. GRCh37 (hg19) VCF-style: chr2-163128893-C-G.
Other names: c.2459G>C, p.Arg820Pro (LRG_1235t1); short protein forms R820P.
Identifiers: ClinVar variation 587614 (VCV000587614.8), dbSNP rs74162087, ClinGen allele CA59655746.
Genomic context (GRCh38, chr2:162,272,383, plus strand): 5'-ACTCCTGAACCACTGTGAGCAACCAGGACGTAGGTGCTCTCATCAGCTCTGGCTCGACCA[C>G]GGGCCTGAAAACACAAATAAATCAAGTAAATGAAAGGGTACGTTGTGATACAAATCCTCC-3'
Protein context (NP_071451.2, residues 810-830): VTNEIAMVQA[Arg820Pro]GRARADESTY